The following is an entry in ClinVar:

ClinVar aggregate classification (germline): Pathogenic (1 of 4 stars; one submission).

Conditions:
Deficiency of galactokinase. Also called: GALACTOSEMIA II; Galactokinase deficiency with cataracts. Identifiers: Orphanet 352, Orphanet 79237, MedGen C0268155, MONDO:0009255, OMIM 230200.

Allele frequency attached by ClinVar (database versions not stated): gnomAD exomes below 0.00001; gnomAD 0.00001.

Submission:

Labcorp Genetics (formerly Invitae), Labcorp
Classification: Pathogenic for Deficiency of galactokinase. Last evaluated: 2024-01-16. Review status: criteria provided, single submitter. Criteria: Invitae Variant Classification Sherloc (09022015). Collection method: clinical testing. Allele origin: germline.
Comment: This sequence change creates a premature translational stop signal (p.Arg204Glnfs*23) in the GALK1 gene. It is expected to result in an absent or disrupted protein product. Loss-of-function variants in GALK1 are known to be pathogenic (PMID: 7670469, 10790206). This variant is present in population databases (no rsID available, gnomAD 0.007%). This variant has not been reported in the literature in individuals affected with GALK1-related conditions. ClinVar contains an entry for this variant (Variation ID: 1943313). For these reasons, this variant has been classified as Pathogenic.

Literature cited by the submitters: PubMed 7670469; PubMed 10790206.

NM_000154.2(GALK1):c.609dup (p.Arg204fs)

Gene: GALK1 (galactokinase 1; minus strand). Cytogenetic location: 17q25.1.
Variant type: Duplication.
Coding change: c.609dup on transcript NM_000154.2 (MANE Select); coding-DNA position 609, one base duplicated (C; older notation c.609dupC).
Protein change: p.Arg204fs; shifts the reading frame from arginine 204.
Molecular consequence: frameshift variant.
Genome position (GRCh38, 1-based): chr17:75,763,016, G duplicated on the plus strand (C on the coding strand, the reverse complement: GALK1 is on the minus strand). VCF-style (leftmost placement, unchanged base first): chr17-75763015-T-TG. GRCh37 (hg19) VCF-style: chr17-73759096-T-TG.
Other names: c.609dup, p.Arg204fs (NM_001381985.1); short protein forms R204fs.
Identifiers: ClinVar variation 1943313 (VCV001943313.5), dbSNP rs1474376359, ClinGen allele CA627596317.